The following is an entry in ClinVar:

ClinVar aggregate classification (germline): Pathogenic (1 of 4 stars; one submission).

Conditions:
Glycine encephalopathy 1 (GCE1). Identifiers: MedGen CN376801, MONDO:0958179, OMIM 605899.

Submission:

Myriad Genetics, Inc.
Classification: Pathogenic for Glycine encephalopathy 1. Last evaluated: 2024-07-31. Review status: criteria provided, single submitter. Criteria: Myriad Autosomal Dominant, Autosomal Recessive and X-Linked Classification Criteria (2023). Collection method: clinical testing. Allele origin: unknown.
Comment: NM_000170.2(GLDC):c.1046delT(V349Gfs*3) is expected to be pathogenic in the context of glycine encephalopathy, GLDC-related. This variant is predicted to lead to an abnormal or absent protein product due to the creation of a premature termination codon in GLDC, a gene where loss-of-function variants are known to be pathogenic. Please note: this variant was assessed in the context of healthy population screening.

NM_000170.3(GLDC):c.1046del (p.Val349fs)

Gene: GLDC (glycine decarboxylase; minus strand). Cytogenetic location: 9p24.1.
Variant type: Deletion.
Coding change: c.1046del on transcript NM_000170.3 (MANE Select); coding-DNA position 1046, one base deleted (T; older notation c.1046delT).
Protein change: p.Val349fs; shifts the reading frame from valine 349.
Molecular consequence: frameshift variant.
Genome position (GRCh38, 1-based): chr9:6,604,600, A deleted on the plus strand (T on the coding strand, the reverse complement: GLDC is on the minus strand). VCF-style (leftmost placement, unchanged base first): chr9-6604599-CA-C. GRCh37 (hg19) VCF-style: chr9-6604599-CA-C.
Other names: short protein forms V349fs.
Identifiers: ClinVar variation 5013389 (VCV005013389.1).